The following is an entry in ClinVar:

ClinVar aggregate classification (germline): Uncertain significance (1 of 4 stars; one submission).

gnomAD v4.1: 1 of 1,613,924 alleles (0.000062%); highest among the groups gnomAD compares: South Asian, 0.0011%; no homozygotes.

Submission:

Labcorp Genetics (formerly Invitae), Labcorp
Classification: Uncertain significance. Last evaluated: 2023-03-26. Review status: criteria provided, single submitter. Criteria: Invitae Variant Classification Sherloc (09022015). Collection method: clinical testing. Allele origin: germline.
Comment: This variant is present in population databases (no rsID available, gnomAD 0.003%). This sequence change replaces glutamine, which is neutral and polar, with lysine, which is basic and polar, at codon 101 of the MYLK3 protein (p.Gln101Lys). This variant has not been reported in the literature in individuals affected with MYLK3-related conditions. In summary, the available evidence is currently insufficient to determine the role of this variant in disease. Therefore, it has been classified as a Variant of Uncertain Significance. An algorithm developed to predict the effect of missense changes on protein structure and function (PolyPhen-2) suggests that this variant is likely to be tolerated. ClinVar contains an entry for this variant (Variation ID: 1371237).

NM_182493.3(MYLK3):c.301C>A (p.Gln101Lys)

Gene: MYLK3 (myosin light chain kinase 3; minus strand). Cytogenetic location: 16q11.2.
Variant type: single nucleotide variant.
Coding change: c.301C>A on transcript NM_182493.3 (MANE Select); coding-DNA position 301, C replaced by A.
Protein change: p.Gln101Lys; replaces glutamine 101 with lysine.
Molecular consequence: missense variant. On other transcripts: intron variant (1).
Genome position (GRCh38, 1-based): chr16:46,747,893, G>T on the plus strand (C>A on the coding strand, the complement: MYLK3 is on the minus strand). VCF-style: chr16-46747893-G-T. GRCh37 (hg19) VCF-style: chr16-46781805-G-T.
Other names: c.-113-7746C>A (NM_001308301.1); short protein forms Q101K.
Identifiers: ClinVar variation 1371237 (VCV001371237.6), dbSNP rs1467037214, ClinGen allele CA395797257.